The following is an entry in ClinVar:

NM_014629.4(ARHGEF10):c.1921G>C (p.Val641Leu)

Gene: ARHGEF10 (Rho guanine nucleotide exchange factor 10; plus strand). Cytogenetic location: 8p23.3.
Variant type: single nucleotide variant.
Coding change: c.1921G>C on transcript NM_014629.4 (MANE Select); coding-DNA position 1921, G replaced by C.
Protein change: p.Val641Leu; replaces valine 641 with leucine.
Molecular consequence: missense variant.
Genome position (GRCh38, 1-based): chr8:1,905,670, G>C. VCF-style: chr8-1905670-G-C. GRCh37 (hg19) VCF-style: chr8-1853836-G-C.
Other names: c.1807G>C, p.Val603Leu (NM_001308152.2, NM_001438094.1); c.1921G>C, p.Val641Leu (NM_001308153.3); c.1924G>C, p.Val642Leu (NM_001438091.1); c.1804G>C, p.Val602Leu (NM_001438092.1, NM_001438093.1); short protein forms V602L, V642L, V603L, V641L, V665L.
Identifiers: ClinVar variation 4740775 (VCV004740775.1).

ClinVar aggregate classification (germline): Uncertain significance (1 of 4 stars; one submission).

gnomAD v4.1: 1 of 1,614,198 alleles (0.000062%); highest among the groups gnomAD compares: African/African-American, 0.0013%; no homozygotes.

Submission:

Labcorp Genetics (formerly Invitae), Labcorp
Classification: Uncertain significance. Last evaluated: 2025-11-11. Review status: criteria provided, single submitter. Criteria: Invitae Variant Classification Sherloc (09022015). Collection method: clinical testing. Allele origin: germline.
Comment: This sequence change replaces valine, which is neutral and non-polar, with leucine, which is neutral and non-polar, at codon 641 of the ARHGEF10 protein (p.Val641Leu). This variant is not present in population databases (gnomAD no frequency). This variant has not been reported in the literature in individuals affected with ARHGEF10-related conditions. Invitae Evidence Modeling of protein sequence and biophysical properties (such as structural, functional, and spatial information, amino acid conservation, physicochemical variation, residue mobility, and thermodynamic stability) indicates that this missense variant is not expected to disrupt ARHGEF10 protein function with a negative predictive value of 80%. In summary, the available evidence is currently insufficient to determine the role of this variant in disease. Therefore, it has been classified as a Variant of Uncertain Significance.